The following is an entry in ClinVar:

ClinVar aggregate classification (germline): Uncertain significance (1 of 4 stars; one submission).

Conditions:
Ataxia-telangiectasia syndrome (AT). Also called: ATAXIA-TELANGIECTASIA, COMPLEMENTATION GROUP A; ATAXIA-TELANGIECTASIA, FRESNO VARIANT; Ataxia-telangiectasia; Ataxia-telangiectasia, complementation group D; AT, COMPLEMENTATION GROUP C; Ataxia-telangiectasia, complementation group E. Identifiers: Orphanet 100, MedGen C0004135, MONDO:0008840, OMIM 208900.

Submission:

Labcorp Genetics (formerly Invitae), Labcorp
Classification: Uncertain significance for Ataxia-telangiectasia syndrome. Last evaluated: 2024-02-24. Review status: criteria provided, single submitter. Criteria: Invitae Variant Classification Sherloc (09022015). Collection method: clinical testing. Allele origin: germline.
Comment: This sequence change replaces glycine, which is neutral and non-polar, with valine, which is neutral and non-polar, at codon 2922 of the ATM protein (p.Gly2922Val). This variant is not present in population databases (gnomAD no frequency). This variant has not been reported in the literature in individuals affected with ATM-related conditions. ClinVar contains an entry for this variant (Variation ID: 851335). An algorithm developed to predict the effect of missense changes on protein structure and function (PolyPhen-2) suggests that this variant is likely to be disruptive. In summary, the available evidence is currently insufficient to determine the role of this variant in disease. Therefore, it has been classified as a Variant of Uncertain Significance.

NM_000051.4(ATM):c.8765G>T (p.Gly2922Val)

Genes: ATM (ATM serine/threonine kinase; plus strand), C11orf65 (chromosome 11 open reading frame 65; minus strand). Cytogenetic location: 11q22.3.
Variant type: single nucleotide variant.
Coding change: c.8765G>T on transcript NM_000051.4 (MANE Select); coding-DNA position 8765, G replaced by T.
Protein change: p.Gly2922Val; replaces glycine 2922 with valine.
Molecular consequence: missense variant. On other transcripts: intron variant (2).
Genome position (GRCh38, 1-based): chr11:108,353,859, G>T. VCF-style: chr11-108353859-G-T. GRCh37 (hg19) VCF-style: chr11-108224586-G-T.
Other names: c.8765G>T, p.Gly2922Val (NM_001351834.2); c.640+32061C>A (NM_001330368.2); c.695-18567C>A (NM_001351110.2); short protein forms G2922V.
Identifiers: ClinVar variation 851335 (VCV000851335.10), dbSNP rs2089517173, ClinGen allele CA382524190.
Genomic context (GRCh38, chr11:108,353,859, plus strand): 5'-CTCCTGAGACAGTTCCTTTTAGACTCACCAGAGATATTGTGGATGGCATGGGCATTACGG[G>T]TGTTGAAGGTGTCTTCAGAAGGTAAGTGATATGAAGTAAAGGAGGGAAATAATTTTTGAT-3'
Protein context (NP_000042.3, residues 2912-2932): RDIVDGMGIT[Gly2922Val]VEGVFRRCCE